The following is an entry in ClinVar:

ClinVar aggregate classification (germline): Uncertain significance (1 of 4 stars; one submission).

Conditions:
Dilated cardiomyopathy 1G (CMD1G). Identifiers: Orphanet 154, MedGen C1858763, MONDO:0011400, OMIM 604145.
Autosomal recessive limb-girdle muscular dystrophy type 2J (LGMDR10). Also called: Limb-girdle muscular dystrophy, type 2J; MUSCULAR DYSTROPHY, LIMB-GIRDLE, AUTOSOMAL RECESSIVE 10. Identifiers: Orphanet 140922, MedGen C1837342, MONDO:0012127, OMIM 608807.

Submission:

Labcorp Genetics (formerly Invitae), Labcorp
Classification: Uncertain significance for Dilated cardiomyopathy 1G; Autosomal recessive limb-girdle muscular dystrophy type 2J. Last evaluated: 2020-10-27. Review status: criteria provided, single submitter. Criteria: Invitae Variant Classification Sherloc (09022015). Collection method: clinical testing. Allele origin: germline.
Comment: Algorithms developed to predict the effect of missense changes on protein structure and function are unavailable for the TTN gene. In summary, the available evidence is currently insufficient to determine the role of this variant in disease. Therefore, it has been classified as a Variant of Uncertain Significance. This variant is located in the M band of TTN (PMID: 25589632). Variants in this region may be relevant for neuromuscular disorders, but have not been definitively shown to cause cardiomyopathy (PMID: 23975875). This variant is not present in population databases (ExAC no frequency). This variant has not been reported in the literature in individuals with TTN-related conditions. This sequence change replaces isoleucine with threonine at codon 35422 of the TTN protein (p.Ile35422Thr). There is a moderate physicochemical difference between isoleucine and threonine.

Literature cited by the submitters: PubMed 25589632; PubMed 23975875.

NM_001267550.2(TTN):c.106265T>C (p.Ile35422Thr)

Genes: TTN (titin; minus strand), TTN-AS1 (TTN antisense RNA 1; plus strand). Cytogenetic location: 2q31.2.
Variant type: single nucleotide variant.
Coding change: c.106265T>C on transcript NM_001267550.2 (MANE Select); coding-DNA position 106265, T replaced by C.
Protein change: p.Ile35422Thr; replaces isoleucine 35422 with threonine.
Molecular consequence: missense variant.
Genome position (GRCh38, 1-based): chr2:178,530,350, A>G on the plus strand (T>C on the coding strand, the complement: TTN is on the minus strand). VCF-style: chr2-178530350-A-G. GRCh37 (hg19) VCF-style: chr2-179395077-A-G.
Other names: c.101342T>C, p.Ile33781Thr (NM_001256850.1); c.79070T>C, p.Ile26357Thr (NM_003319.4); c.98561T>C, p.Ile32854Thr (NM_133378.4); c.79445T>C, p.Ile26482Thr (NM_133432.3); c.79646T>C, p.Ile26549Thr (NM_133437.4); short protein forms I32854T, I26482T, I26549T, I35422T, I26357T, I33781T.
Identifiers: ClinVar variation 1044177 (VCV001044177.7), dbSNP rs1688557044, ClinGen allele CA349406381.
Genomic context (GRCh38, chr2:178,530,350, plus strand): 5'-TTAACTGCAAATTTAGCAACACTGTCTGAAGAAACAGTTGTATCCTGCAACCCAGTAACA[A>G]TTACTGGTTTTGAGGAAATTGGTTCAGGAGCTTTTGGTTCAGTTTTTCTGGTTACTGTTG-3'
Protein context (NP_001254479.2, residues 35412-35432): APEPISSKPV[Ile35422Thr]VTGLQDTTVS